The following is an entry in ClinVar:

ClinVar aggregate classification (germline): Uncertain significance. Review status: criteria provided, multiple submitters, no conflicts (2 of 4 stars). 3 submissions from 3 submitters: Uncertain significance (3). Last evaluated 2023-10-04.

Conditions:
Autoinflammatory syndrome. Identifiers: Orphanet 93665, MedGen C3890737, MONDO:0019751.
Pityriasis rubra pilaris (PRP). Also called: Pityriasis rubra pilaris--familial type. Identifiers: Orphanet 2897, MedGen C0032027, MONDO:0100017, OMIM 173200, MONDO:0008251.
Psoriasis 2. Identifiers: MedGen C1864497, MONDO:0011269, OMIM 602723.

Allele frequency attached by ClinVar (database versions not stated): gnomAD 0.00001; ExAC 0.00002; gnomAD exomes 0.00003; TOPMed 0.00005.
gnomAD v4.1: 18 of 1,592,488 alleles (0.0011%); highest among the groups gnomAD compares: East Asian, 0.024%; no homozygotes.

Submissions (3):

Labcorp Genetics (formerly Invitae), Labcorp
Classification: Uncertain significance for Pityriasis rubra pilaris; Psoriasis 2. Last evaluated: 2023-10-04. Review status: criteria provided, single submitter. Criteria: Invitae Variant Classification Sherloc (09022015). Collection method: clinical testing. Allele origin: germline.
Comment: This sequence change falls in intron 6 of the CARD14 gene. It does not directly change the encoded amino acid sequence of the CARD14 protein. It affects a nucleotide within the consensus splice site. This variant is present in population databases (rs779986122, gnomAD 0.02%). This variant has not been reported in the literature in individuals affected with CARD14-related conditions. ClinVar contains an entry for this variant (Variation ID: 1480972). Variants that disrupt the consensus splice site are a relatively common cause of aberrant splicing (PMID: 17576681, 9536098). Algorithms developed to predict the effect of sequence changes on RNA splicing suggest that this variant is not likely to affect RNA splicing. In summary, the available evidence is currently insufficient to determine the role of this variant in disease. Therefore, it has been classified as a Variant of Uncertain Significance.

Blueprint Genetics
Classification: Uncertain significance. Last evaluated: 2023-02-07. Review status: criteria provided, single submitter. Criteria: ACMG Guidelines, 2015. Collection method: clinical testing. Allele origin: germline.

Genome Diagnostics Laboratory, The Hospital for Sick Children
Classification: Uncertain significance for Autoinflammatory syndrome. Last evaluated: 2018-04-01. Review status: criteria provided, single submitter. Criteria: ACMG Guidelines, 2015. Collection method: clinical testing. Allele origin: germline. Affected: yes.

Literature cited by the submitters: PubMed 17576681 (cited by Labcorp Genetics (formerly Invitae), Labcorp); PubMed 9536098 (cited by Labcorp Genetics (formerly Invitae), Labcorp).

NM_001366385.1(CARD14):c.963+5C>T

Gene: CARD14 (caspase recruitment domain family member 14; plus strand). Cytogenetic location: 17q25.3.
Variant type: single nucleotide variant.
Coding change: c.963+5C>T on transcript NM_001366385.1 (MANE Select); 5 bases into the intron after coding-DNA position 963, C replaced by T.
Molecular consequence: intron variant.
Genome position (GRCh38, 1-based): chr17:80,189,877, C>T. VCF-style: chr17-80189877-C-T. GRCh37 (hg19) VCF-style: chr17-78163676-C-T.
Other names: c.963+5C>T (NM_024110.4, NM_001257970.1); c.252+5C>T (NM_052819.3).
Identifiers: ClinVar variation 1480972 (VCV001480972.10), dbSNP rs779986122, ClinGen allele CA8816594.